The following is an entry in ClinVar:

NM_001376.5(DYNC1H1):c.9376A>G (p.Met3126Val)

Genes: DYNC1H1 (dynein cytoplasmic 1 heavy chain 1; plus strand), LOC126862060 (BRD4-independent group 4 enhancer GRCh37_chr14:102493659-102494858; plus strand). Cytogenetic location: 14q32.31.
Variant type: single nucleotide variant.
Coding change: c.9376A>G on transcript NM_001376.5 (MANE Select); coding-DNA position 9376, A replaced by G.
Protein change: p.Met3126Val; replaces methionine 3126 with valine.
Molecular consequence: missense variant.
Genome position (GRCh38, 1-based): chr14:102,028,049, A>G. VCF-style: chr14-102028049-A-G. GRCh37 (hg19) VCF-style: chr14-102494386-A-G.
Other names: short protein forms M3126V.
Identifiers: ClinVar variation 1053614 (VCV001053614.9), dbSNP rs2152589343, ClinGen allele CA391014026.

ClinVar aggregate classification (germline): Uncertain significance (1 of 4 stars; one submission).

Conditions:
Charcot-Marie-Tooth disease axonal type 2O. Also called: CHARCOT-MARIE-TOOTH NEUROPATHY, AXONAL, TYPE 2O; CHARCOT-MARIE-TOOTH DISEASE, AXONAL, AUTOSOMAL DOMINANT, TYPE 2O; Charcot-Marie-Tooth Neuropathy Type 2O; Charcot-Marie-Tooth disease, axonal, type 20. Identifiers: Orphanet 284232, MedGen C3280220, MONDO:0013644, OMIM 614228.

gnomAD v4.1: 3 of 1,614,216 alleles (0.00019%); highest among the groups gnomAD compares: East Asian, 0.0045%; no homozygotes.

Submission:

Labcorp Genetics (formerly Invitae), Labcorp
Classification: Uncertain significance for Charcot-Marie-Tooth disease axonal type 2O. Last evaluated: 2024-07-15. Review status: criteria provided, single submitter. Criteria: Invitae Variant Classification Sherloc (09022015). Collection method: clinical testing. Allele origin: germline.
Comment: This sequence change replaces methionine, which is neutral and non-polar, with valine, which is neutral and non-polar, at codon 3126 of the DYNC1H1 protein (p.Met3126Val). This variant is not present in population databases (gnomAD no frequency). This variant has not been reported in the literature in individuals affected with DYNC1H1-related conditions. ClinVar contains an entry for this variant (Variation ID: 1053614). Advanced modeling of protein sequence and biophysical properties (such as structural, functional, and spatial information, amino acid conservation, physicochemical variation, residue mobility, and thermodynamic stability) performed at Invitae indicates that this missense variant is not expected to disrupt DYNC1H1 protein function with a negative predictive value of 95%. In summary, the available evidence is currently insufficient to determine the role of this variant in disease. Therefore, it has been classified as a Variant of Uncertain Significance.